The following is an entry in ClinVar:

NM_001267550.2(TTN):c.69106del (p.Thr23036fs)

Genes: TTN (titin; minus strand), TTN-AS1 (TTN antisense RNA 1; plus strand). Cytogenetic location: 2q31.2.
Variant type: Deletion.
Coding change: c.69106del on transcript NM_001267550.2 (MANE Select); coding-DNA position 69106, one base deleted (A; older notation c.69106delA).
Protein change: p.Thr23036fs; shifts the reading frame from threonine 23036.
Molecular consequence: frameshift variant.
Genome position (GRCh38, 1-based): chr2:178,577,229, T deleted on the plus strand (A on the coding strand, the reverse complement: TTN is on the minus strand); the first of 2 consecutive T bases (chr2:178,577,229-178,577,230); deleting either gives the same sequence. VCF-style (leftmost placement, unchanged base first): chr2-178577228-GT-G. GRCh37 (hg19) VCF-style: chr2-179441955-GT-G.
Other names: c.64183del, p.Thr21395fs (NM_001256850.1); c.41911del, p.Thr13971fs (NM_003319.4); c.61402del, p.Thr20468fs (NM_133378.4); c.42286del, p.Thr14096fs (NM_133432.3); c.42487del, p.Thr14163fs (NM_133437.4); c.69106delA (NM_001267550.2); short protein forms T13971fs, T14096fs, T14163fs, T20468fs, T21395fs, T23036fs.
Identifiers: ClinVar variation 3061345 (VCV003061345.2), dbSNP rs2468771226, ClinGen allele CA2740096038.

ClinVar aggregate classification (germline): Likely pathogenic (0 of 4 stars; one submission).

Conditions:
TTN-related disorder. Also called: TTN-related condition; TTN-related disease; TTN-related disorders.

Submission:

PreventionGenetics, part of Exact Sciences
Classification: Likely pathogenic for TTN-related condition. Last evaluated: 2024-02-21. Review status: no assertion criteria provided. Collection method: clinical testing. Allele origin: germline.
Comment: The TTN c.69106delA variant is predicted to result in a frameshift and premature protein termination (p.Thr23036Glnfs*82). To our knowledge, this variant has not been reported in the literature or in a large population database, indicating this variant is rare. This variant is located in the A-band region of the protein in which truncating TTN variants have been found more frequently in dilated cardiomyopathy patients than in controls (Herman et al. 2012. PubMed ID: 22335739). RNAseq studies from heart tissue indicate this exon is commonly included in TTN mRNA transcripts (PSI of 93%-100%); however, this analysis in muscle tissue was not performed (Roberts et al. 2015. PMID: 25589632). TTN truncating variants are reported in 1-2% of presumably healthy individuals and occur more frequently in exons with low PSI values, indicating this variant is more likely to be disease causing (Herman et al. 2012. PMID: 22335739; Roberts et al. 2015. PMID: 25589632). In summary, this variant is interpreted as likely pathogenic for TTN-related disorders.